The following is an entry in ClinVar:

ClinVar aggregate classification (germline): Uncertain significance (1 of 4 stars; one submission).

Conditions:
Cardiovascular phenotype. Identifiers: MedGen CN230736.

Allele frequency attached by ClinVar (database versions not stated): gnomAD exomes 0.00001.
gnomAD v4.1: 9 of 1,614,054 alleles (0.00056%); highest among the groups gnomAD compares: Non-Finnish European, 0.00076%; no homozygotes.

Submission:

Ambry Genetics
Classification: Uncertain significance for Cardiovascular phenotype. Last evaluated: 2022-11-20. Review status: criteria provided, single submitter. Criteria: Ambry Variant Classification Scheme 2023. Collection method: clinical testing. Allele origin: germline.
Comment: The p.V45A variant (also known as c.134T>C), located in coding exon 2 of the CACNA2D1 gene, results from a T to C substitution at nucleotide position 134. The valine at codon 45 is replaced by alanine, an amino acid with similar properties. This amino acid position is conserved. In addition, this alteration is predicted to be tolerated by in silico analysis. Since supporting evidence is limited at this time, the clinical significance of this alteration remains unclear.

NM_000722.4(CACNA2D1):c.134T>C (p.Val45Ala)

Gene: CACNA2D1 (calcium voltage-gated channel auxiliary subunit alpha2delta 1; minus strand). Cytogenetic location: 7q21.11.
Variant type: single nucleotide variant.
Coding change: c.134T>C on transcript NM_000722.4 (MANE Select); coding-DNA position 134, T replaced by C.
Protein change: p.Val45Ala; replaces valine 45 with alanine.
Molecular consequence: missense variant.
Genome position (GRCh38, 1-based): chr7:82,349,611, A>G on the plus strand (T>C on the coding strand, the complement: CACNA2D1 is on the minus strand). VCF-style: chr7-82349611-A-G. GRCh37 (hg19) VCF-style: chr7-81978927-A-G.
Other names: c.134T>C, p.Val45Ala (NM_001302890.2, NM_001366867.1); short protein forms V45A.
Identifiers: ClinVar variation 2450726 (VCV002450726.2), dbSNP rs1819617166, ClinGen allele CA368018097.
Genomic context (GRCh38, chr7:82,349,611, plus strand): 5'-TGGTGGATTTTACTCACATCAACAAGCTGATTGACTCCACTTGCTGTTTTTGCCAGTGTG[A>G]CAAGGTCTTCTTGCATCTTATCCACCCATGATTTGATACTGCAGAAATCAGAAAAGATTA-3'
Protein context (NP_000713.2, residues 35-55): SWVDKMQEDL[Val45Ala]TLAKTASGVN